The following is an entry in ClinVar:

ClinVar aggregate classification (germline): Likely benign (1 of 4 stars; one submission).

gnomAD v4.1: 34 of 1,613,526 alleles (0.0021%); highest among the groups gnomAD compares: Admixed American, 0.018%; no homozygotes.

Submission:

CeGaT Center for Human Genetics Tuebingen
Classification: Likely benign. Last evaluated: 2026-04-01. Review status: criteria provided, single submitter. Criteria: CeGaT Center For Human Genetics Tuebingen Variant Classification Criteria Version 2. Collection method: clinical testing. Allele origin: germline. Affected: yes. Observed: 1 variant allele.
Comment: LIMK1: BP4, BP7

NM_002314.4(LIMK1):c.318C>T (p.Pro106=)

Gene: LIMK1 (LIM domain kinase 1; plus strand). Cytogenetic location: 7q11.23.
Variant type: single nucleotide variant.
Coding change: c.318C>T on transcript NM_002314.4 (MANE Select); coding-DNA position 318, C replaced by T.
Protein change: p.Pro106=; no amino-acid change (proline 106 retained).
Molecular consequence: synonymous variant.
Genome position (GRCh38, 1-based): chr7:74,097,106, C>T. VCF-style: chr7-74097106-C-T. GRCh37 (hg19) VCF-style: chr7-73511436-C-T.
Other names: c.216C>T, p.Pro72= (NM_001204426.2).
Identifiers: ClinVar variation 4872526 (VCV004872526.2).
Genomic context (GRCh38, chr7:74,097,106, plus strand): 5'-GAGCTGGGCTGTTCCCTCCTCACCCCCGCACCAGGTGGCTGGGGAGCTGAAGTACCACCC[C>T]GAGTGTTTCATCTGCCTCACGTGTGGGACCTTTATCGGTGACGGGGACACCTACACGCTG-3'
Protein context (NP_002305.1, residues 96-116): VMVAGELKYH[Pro106=]ECFICLTCGT